The following is an entry in ClinVar:

ClinVar aggregate classification (germline): Uncertain significance (1 of 4 stars; one submission).

gnomAD v4.1: 6 of 1,613,962 alleles (0.00037%); highest among the groups gnomAD compares: Middle Eastern, 0.033%; no homozygotes.

Submission:

Labcorp Genetics (formerly Invitae), Labcorp
Classification: Uncertain significance. Last evaluated: 2025-08-29. Review status: criteria provided, single submitter. Criteria: Invitae Variant Classification Sherloc (09022015). Collection method: clinical testing. Allele origin: germline.
Comment: This sequence change replaces leucine, which is neutral and non-polar, with phenylalanine, which is neutral and non-polar, at codon 70 of the POLG2 protein (p.Leu70Phe). This variant is present in population databases (no rsID available, gnomAD 0.0009%). This variant has not been reported in the literature in individuals affected with POLG2-related conditions. An algorithm developed to predict the effect of missense changes on protein structure and function (PolyPhen-2) suggests that this variant is likely to be tolerated. In summary, the available evidence is currently insufficient to determine the role of this variant in disease. Therefore, it has been classified as a Variant of Uncertain Significance.

NM_007215.4(POLG2):c.210A>C (p.Leu70Phe)

Genes: MILR1 (mast cell immunoglobulin like receptor 1; plus strand), POLG2 (DNA polymerase gamma 2, accessory subunit; minus strand). Cytogenetic location: 17q23.3.
Variant type: single nucleotide variant.
Coding change: c.210A>C on transcript NM_007215.4 (MANE Select); coding-DNA position 210, A replaced by C.
Protein change: p.Leu70Phe; replaces leucine 70 with phenylalanine.
Molecular consequence: missense variant.
Genome position (GRCh38, 1-based): chr17:64,496,759, T>G on the plus strand (A>C on the coding strand, the complement: POLG2 is on the minus strand). VCF-style: chr17-64496759-T-G. GRCh37 (hg19) VCF-style: chr17-62492877-T-G.
Other names: short protein forms L70F.
Identifiers: ClinVar variation 4702212 (VCV004702212.1).